The following is an entry in ClinVar:

ClinVar aggregate classification (germline): Conflicting classifications of pathogenicity. Review status: criteria provided, conflicting classifications (1 of 4 stars). 5 submissions from 5 submitters: Uncertain significance (3); Likely benign (1). 1 of the submissions does not count toward it. Last evaluated 2026-01-16.

Conditions:
Inborn genetic diseases. Identifiers: MedGen C0950123, MeSH D030342.
Charcot-Marie-Tooth disease type 4. Also called: Charcot-Marie-Tooth disease, type IV; Charcot-Marie-Tooth, Type 4. Identifiers: Orphanet 64749, MedGen C4082197, MONDO:0018995.
SH3TC2-related disorder. Also called: SH3TC2-related condition; SH3TC2-related disorders. Identifiers: MedGen CN239303.

Allele frequency attached by ClinVar (database versions not stated): gnomAD exomes 0.00016; ExAC 0.00021; 1000 Genomes Project 0.00040; 1000 Genomes Project 30x 0.00062; ESP Exome Variant Server 0.00062; gnomAD 0.00066 and 0.00074; TOPMed 0.00068.
gnomAD v4.1: 202 of 1,614,006 alleles (0.013%); highest among the groups gnomAD compares: African/African-American, 0.21%; no homozygotes.

Submissions (5):

Labcorp Genetics (formerly Invitae), Labcorp
Classification: Likely benign for Charcot-Marie-Tooth disease type 4. Last evaluated: 2026-01-16. Review status: criteria provided, single submitter. Criteria: Invitae Variant Classification Sherloc (09022015). Collection method: clinical testing. Allele origin: germline.

Athena Diagnostics
Classification: Uncertain significance. Last evaluated: 2025-06-04. Review status: criteria provided, single submitter. Criteria: Athena Diagnostics Criteria. Collection method: clinical testing. Allele origin: unknown.
Comment: Available data are insufficient to determine the clinical significance of the variant at this time. The frequency of this variant in the general population is higher than would generally be expected for pathogenic variants in this gene. Polyphen and MutationTaster predict this amino acid change may be benign.

Ambry Genetics
Classification: Uncertain significance for Inborn genetic diseases. Last evaluated: 2024-11-14. Review status: criteria provided, single submitter. Criteria: Ambry Variant Classification Scheme 2023. Collection method: clinical testing. Allele origin: germline.

Mayo Clinic Laboratories, Mayo Clinic
Classification: Uncertain significance. Last evaluated: 2023-01-25. Review status: criteria provided, single submitter. Criteria: ACMG Guidelines, 2015. Collection method: clinical testing. Allele origin: germline. Observed: 1 variant allele.

PreventionGenetics, part of Exact Sciences
Classification: Likely benign for SH3TC2-related condition. Last evaluated: 2023-05-10. Review status: no assertion criteria provided. Collection method: clinical testing. Allele origin: germline. Not counted in ClinVar's aggregate classification.
Comment: This variant is classified as likely benign based on ACMG/AMP sequence variant interpretation guidelines (Richards et al. 2015 PMID: 25741868, with internal and published modifications).

NM_024577.4(SH3TC2):c.3644G>A (p.Arg1215His)

Gene: SH3TC2 (SH3 domain and tetratricopeptide repeats 2; minus strand). Cytogenetic location: 5q32.
Variant type: single nucleotide variant.
Coding change: c.3644G>A on transcript NM_024577.4 (MANE Select); coding-DNA position 3644, G replaced by A.
Protein change: p.Arg1215His; replaces arginine 1215 with histidine.
Molecular consequence: missense variant.
Genome position (GRCh38, 1-based): chr5:149,006,912, C>T on the plus strand (G>A on the coding strand, the complement: SH3TC2 is on the minus strand). VCF-style: chr5-149006912-C-T. GRCh37 (hg19) VCF-style: chr5-148386475-C-T.
Other names: p.Arg1215His; short protein forms R1215H.
Identifiers: ClinVar variation 543329 (VCV000543329.19), dbSNP rs145390629, ClinGen allele CA3498662.
Genomic context (GRCh38, chr5:149,006,912, plus strand): 5'-TCAGGAAATCTGGGAAGTCTGGCTCTTACCTTCAGCTGGCAGAAGGTGAGTCTGCCCAGG[C>T]GATAATACACCTTGGCATAGTACAGGGCCTCCTTGGGACTCTGCAGCCATGGTGGACAGA-3'
Protein context (NP_078853.2, residues 1205-1225): EALYYAKVYY[Arg1215His]LGRLTFCQLK